The following is an entry in ClinVar:

NM_001105206.3(LAMA4):c.4004G>A (p.Ser1335Asn)

Gene: LAMA4 (laminin subunit alpha 4; minus strand). Cytogenetic location: 6q21.
Variant type: single nucleotide variant.
Coding change: c.4004G>A on transcript NM_001105206.3 (MANE Select); coding-DNA position 4004, G replaced by A.
Protein change: p.Ser1335Asn; replaces serine 1335 with asparagine.
Molecular consequence: missense variant.
Genome position (GRCh38, 1-based): chr6:112,130,005, C>T on the plus strand (G>A on the coding strand, the complement: LAMA4 is on the minus strand). VCF-style: chr6-112130005-C-T. GRCh37 (hg19) VCF-style: chr6-112451207-C-T.
Other names: c.3983G>A, p.Ser1328Asn (NM_001105207.3, NM_002290.5); short protein forms S1328N, S1335N.
Identifiers: ClinVar variation 4859105 (VCV004859105.1).

ClinVar aggregate classification (germline): Uncertain significance (1 of 4 stars; one submission).

Conditions:
Cardiovascular phenotype. Identifiers: MedGen CN230736.

gnomAD v4.1: 2 of 1,613,312 alleles (0.00012%); highest among the groups gnomAD compares: South Asian, 0.0022%; no homozygotes.

Submission:

Ambry Genetics
Classification: Uncertain significance for Cardiovascular phenotype. Last evaluated: 2026-06-12. Review status: criteria provided, single submitter. Criteria: Ambry Variant Classification Scheme 2023. Collection method: clinical testing. Allele origin: germline.
Comment: The p.S1328N variant (also known as c.3983G>A), located in coding exon 29 of the LAMA4 gene, results from a G to A substitution at nucleotide position 3983. The serine at codon 1328 is replaced by asparagine, an amino acid with highly similar properties. This amino acid position is conserved. In addition, this alteration is predicted to be tolerated by in silico analysis. Based on the available evidence, the clinical significance of this variant remains unclear.